The following is an entry in ClinVar:

ClinVar aggregate classification (germline): Uncertain significance (1 of 4 stars; one submission).

Conditions:
Pitt-Hopkins-like syndrome 2 (PTHSL2). Identifiers: Orphanet 221150, Orphanet 600663, MedGen C3280479, MONDO:0013690, OMIM 614325.

Allele frequency attached by ClinVar (database versions not stated): gnomAD 0.00244 and 0.00240.

Submission:

Illumina Laboratory Services, Illumina
Classification: Uncertain significance for Pitt-Hopkins-like syndrome 2. Last evaluated: 2017-04-27. Review status: criteria provided, single submitter. Criteria: ICSL Variant Classification Criteria 13 December 2019. Collection method: clinical testing. Allele origin: germline.
Comment: This variant was observed as part of a predisposition screen in an ostensibly healthy population. A literature search was performed for the gene, cDNA change, and amino acid change (where applicable). Publications were found based on this search. However, the evidence from the literature, in combination with allele frequency data from public databases where available, was not sufficient to rule this variant in or out of causing disease. Therefore, this variant is classified as a variant of unknown significance.

Literature cited by the submitters: PubMed 20347009.

NM_001135659.1(NRXN1):c.-1451T>C

Gene: NRXN1 (neurexin 1; minus strand). Cytogenetic location: 2p16.3.
Variant type: single nucleotide variant.
Coding change: c.-1451T>C on transcript NM_001135659.1; 1451 bases upstream of the start codon, T replaced by C.
Genome position (GRCh38, 1-based): chr2:51,032,510, A>G on the plus strand (T>C on the coding strand, the complement: NRXN1 is on the minus strand). VCF-style: chr2-51032510-A-G. GRCh37 (hg19) VCF-style: chr2-51259648-A-G.
Identifiers: ClinVar variation 896599 (VCV000896599.6), dbSNP rs72828367, ClinGen allele CA48055626.